The following is an entry in ClinVar:

NM_000260.4(MYO7A):c.4405C>T (p.Leu1469Phe)

Gene: MYO7A (myosin VIIA; plus strand). Cytogenetic location: 11q13.5.
Variant type: single nucleotide variant.
Coding change: c.4405C>T on transcript NM_000260.4 (MANE Select); coding-DNA position 4405, C replaced by T.
Protein change: p.Leu1469Phe; replaces leucine 1469 with phenylalanine.
Molecular consequence: missense variant.
Genome position (GRCh38, 1-based): chr11:77,197,562, C>T. VCF-style: chr11-77197562-C-T. GRCh37 (hg19) VCF-style: chr11-76908607-C-T.
Other names: c.4405C>T, p.Leu1469Phe (NM_001127180.2); c.4372C>T, p.Leu1458Phe (NM_001369365.1); short protein forms L1458F, L1469F.
Identifiers: ClinVar variation 3704601 (VCV003704601.3).

ClinVar aggregate classification (germline): Uncertain significance. Review status: criteria provided, multiple submitters, no conflicts (2 of 4 stars). 2 submissions from 2 submitters: Uncertain significance (2). Last evaluated 2024-02-17.

Submissions (2):

Labcorp Genetics (formerly Invitae), Labcorp
Classification: Uncertain significance. Last evaluated: 2024-02-17. Review status: criteria provided, single submitter. Criteria: Invitae Variant Classification Sherloc (09022015). Collection method: clinical testing. Allele origin: germline.
Comment: This sequence change replaces leucine, which is neutral and non-polar, with phenylalanine, which is neutral and non-polar, at codon 1469 of the MYO7A protein (p.Leu1469Phe). This variant is not present in population databases (gnomAD no frequency). This variant has not been reported in the literature in individuals affected with MYO7A-related conditions. Advanced modeling of protein sequence and biophysical properties (such as structural, functional, and spatial information, amino acid conservation, physicochemical variation, residue mobility, and thermodynamic stability) performed at Invitae indicates that this missense variant is not expected to disrupt MYO7A protein function with a negative predictive value of 95%. In summary, the available evidence is currently insufficient to determine the role of this variant in disease. Therefore, it has been classified as a Variant of Uncertain Significance.

Blueprint Genetics
Classification: Uncertain significance. Last evaluated: 2023-10-18. Review status: criteria provided, single submitter. Criteria: ACMG Guidelines, 2015. Collection method: clinical testing. Allele origin: germline.